The following is an entry in ClinVar:

ClinVar aggregate classification (germline): Uncertain significance. Review status: criteria provided, multiple submitters, no conflicts (2 of 4 stars). 3 submissions from 3 submitters: Uncertain significance (3). Last evaluated 2026-06-25.

Conditions:
Cardiovascular phenotype. Identifiers: MedGen CN230736.
Duchenne muscular dystrophy (DMD). Also called: MUSCULAR DYSTROPHY, PSEUDOHYPERTROPHIC PROGRESSIVE, DUCHENNE TYPE; Duchenne Muscular Dystrophy (DMD). Identifiers: Orphanet 98896, MedGen C0013264, MONDO:0010679, OMIM 310200.

Allele frequency attached by ClinVar (database versions not stated): gnomAD 0.00001; gnomAD exomes 0.00001 and below 0.00001.
gnomAD v4.1: 5 of 1,204,819 alleles (0.00042%); highest among the groups gnomAD compares: Middle Eastern, 0.023%; no homozygotes.

Submissions (3):

Ambry Genetics
Classification: Uncertain significance for Cardiovascular phenotype. Last evaluated: 2026-06-25. Review status: criteria provided, single submitter. Criteria: Ambry Variant Classification Scheme 2023. Collection method: clinical testing. Allele origin: germline.
Comment: The p.H1420Y variant (also known as c.4258C>T), located in coding exon 31 of the DMD gene, results from a C to T substitution at nucleotide position 4258. The histidine at codon 1420 is replaced by tyrosine, an amino acid with similar properties. Based on data from gnomAD, the T allele has an overall frequency of <0.01% (1/182466) total alleles studied, with 0 hemizygote(s) observed. The highest observed frequency was <0.01% (1/81182) of European (non-Finnish) alleles. This amino acid position is highly conserved in available vertebrate species. In addition, the in silico prediction for this alteration is inconclusive. Based on the available evidence, the clinical significance of this variant remains unclear.

Labcorp Genetics (formerly Invitae), Labcorp
Classification: Uncertain significance for Duchenne muscular dystrophy. Last evaluated: 2026-01-06. Review status: criteria provided, single submitter. Criteria: Invitae Variant Classification Sherloc (09022015). Collection method: clinical testing. Allele origin: germline.
Comment: This sequence change replaces histidine, which is basic and polar, with tyrosine, which is neutral and polar, at codon 1420 of the DMD protein (p.His1420Tyr). This variant is present in population databases (no rsID available, gnomAD 0.001%). This variant has not been reported in the literature in individuals affected with DMD-related conditions. ClinVar contains an entry for this variant (Variation ID: 1684686). Invitae Evidence Modeling of protein sequence and biophysical properties (such as structural, functional, and spatial information, amino acid conservation, physicochemical variation, residue mobility, and thermodynamic stability) indicates that this missense variant is not expected to disrupt DMD protein function with a negative predictive value of 95%. In summary, the available evidence is currently insufficient to determine the role of this variant in disease. Therefore, it has been classified as a Variant of Uncertain Significance.

Mendelics
Classification: Uncertain significance. Last evaluated: 2022-05-04. Review status: criteria provided, single submitter. Criteria: Mendelics Assertion Criteria 2019. Collection method: clinical testing. Allele origin: germline.

NM_004006.3(DMD):c.4258C>T (p.His1420Tyr)

Gene: DMD (dystrophin; minus strand). Cytogenetic location: Xp21.1.
Variant type: single nucleotide variant.
Coding change: c.4258C>T on transcript NM_004006.3 (MANE Select); coding-DNA position 4258, C replaced by T.
Protein change: p.His1420Tyr; replaces histidine 1420 with tyrosine.
Molecular consequence: missense variant.
Genome position (GRCh38, 1-based): chrX:32,390,157, G>A on the plus strand (C>T on the coding strand, the complement: DMD is on the minus strand). VCF-style: chrX-32390157-G-A. GRCh37 (hg19) VCF-style: chrX-32408274-G-A.
Other names: c.4234C>T, p.His1412Tyr (NM_000109.4); c.4246C>T, p.His1416Tyr (NM_004009.3); c.3889C>T, p.His1297Tyr (NM_004010.3); c.235C>T, p.His79Tyr (NM_004011.4); c.226C>T, p.His76Tyr (NM_004012.4); c.4258C>T (NM_004006.2); short protein forms H1297Y, H1412Y, H1416Y, H1420Y, H76Y, H79Y.
Identifiers: ClinVar variation 1684686 (VCV001684686.3), dbSNP rs1475038240, ClinGen allele CA412664183.